The following is an entry in ClinVar:

ClinVar aggregate classification (germline): Benign. Review status: criteria provided, multiple submitters, no conflicts (2 of 4 stars). 20 submissions from 18 submitters: Benign (15). 5 of the submissions do not count toward it. Last evaluated 2026-02-04.

Conditions:
Hypophosphatasia. Also called: Phosphoethanol-aminuria. Identifiers: Orphanet 436, MedGen C0020630, MeSH D007014, MONDO:0018570.
Childhood hypophosphatasia. Identifiers: Orphanet 247667, Orphanet 436, MedGen C0220743, MONDO:1010168, OMIM 241510, MONDO:0009428.
Adult hypophosphatasia. Identifiers: Orphanet 247676, Orphanet 436, MedGen C0268413, MONDO:1010154, OMIM 146300, MONDO:0007798.
Infantile hypophosphatasia. Identifiers: Orphanet 247651, Orphanet 436, MedGen C0268412, MONDO:1010169, OMIM 241500, MONDO:0009427.
Osteogenesis imperfecta (OI). Identifiers: Orphanet 666, MedGen C0029434, MeSH D010013, MONDO:0019019.

Allele frequency attached by ClinVar (database versions not stated): ESP Exome Variant Server 0.15877; 1000 Genomes Project 30x 0.26593; 1000 Genomes Project 0.26697; gnomAD 0.17878 and 0.18344; ExAC 0.17910; TOPMed 0.19006.
gnomAD v4.1: 233,079 of 1,613,726 alleles (14%); highest among the groups gnomAD compares: East Asian, 50%; 21,866 homozygotes.

Submissions (20):

Labcorp Genetics (formerly Invitae), Labcorp
Classification: Benign. Last evaluated: 2026-02-04. Review status: criteria provided, single submitter. Criteria: Invitae Variant Classification Sherloc (09022015). Collection method: clinical testing. Allele origin: germline.

Genomenon, Inc
Classification: Benign for Hypophosphatasia. Last evaluated: 2025-08-29. Review status: criteria provided, single submitter. Criteria: Genomenon Sequence Variant Interpretation Standards. Collection method: curation. Allele origin: germline. Affected: no.
Comment: ALPL c.787T>C is a missense variant that changes the amino acid at residue 263 from Tyrosine to Histidine. This variant is present at high allele frequency in population databases. In conclusion, we classify ALPL p.Tyr263His (c.787T>C) as a benign variant.

ARUP Laboratories, Molecular Genetics and Genomics, ARUP Laboratories
Classification: Benign. Last evaluated: 2025-07-02. Review status: criteria provided, single submitter. Criteria: ARUP Molecular Germline Variant Investigation Process 2024. Collection method: clinical testing. Allele origin: germline.

JKU Lab, Dept of Paediatrics, Johannes Kepler University
Classification: Benign for Hypophosphatasia. Last evaluated: 2025-02-27. Review status: criteria provided, single submitter. Criteria: ACMG Guidelines, 2015. Collection method: clinical testing. Allele origin: germline. Affected: yes.
Comment: This missense variant is present in GnomAD 4.1 (f = 0.1444) and affects a highly conserved amino acid in the calcium site domain. The variant is not predicted to affect protein function (REVEL score: 0.187). Splice-prediction algorithms predict no effect on splicing. In vitro functional studies could not detect differences in enzyme activity. This variant has been reported in the literature in individuals affected with ALPL-related conditions. The results of the functional testing and the applied ACMG criteria can be viewed at an online resource

Blueprint Genetics
Classification: Benign. Last evaluated: 2024-11-26. Review status: criteria provided, single submitter. Criteria: ACMG Guidelines, 2015. Collection method: clinical testing. Allele origin: germline.

Mayo Clinic Laboratories, Mayo Clinic
Classification: Benign. Last evaluated: 2023-06-07. Review status: criteria provided, single submitter. Criteria: ACMG Guidelines, 2015. Collection method: clinical testing. Allele origin: germline. Observed: 71 variant alleles.
Comment: BA1

Genome Diagnostics Laboratory, The Hospital for Sick Children
Classification: Benign for Osteogenesis imperfecta. Last evaluated: 2022-07-09. Review status: criteria provided, single submitter. Criteria: ACMG Guidelines, 2015. Collection method: clinical testing. Allele origin: germline.

Genome-Nilou Lab
Classification: Benign for Infantile hypophosphatasia. Last evaluated: 2021-07-01. Review status: criteria provided, single submitter. Criteria: ACMG Guidelines, 2015. Collection method: clinical testing. Allele origin: germline. Affected: no.

Genome-Nilou Lab
Classification: Benign for Childhood hypophosphatasia. Last evaluated: 2021-07-01. Review status: criteria provided, single submitter. Criteria: ACMG Guidelines, 2015. Collection method: clinical testing. Allele origin: germline. Affected: no.

Genome-Nilou Lab
Classification: Benign for Adult hypophosphatasia. Last evaluated: 2021-07-01. Review status: criteria provided, single submitter. Criteria: ACMG Guidelines, 2015. Collection method: clinical testing. Allele origin: germline. Affected: no.

GeneDx
Classification: Benign. Last evaluated: 2018-08-20. Review status: criteria provided, single submitter. Criteria: GeneDx Variant Classification Process June 2021. Collection method: clinical testing. Allele origin: germline. Affected: yes.
Comment: This variant is associated with the following publications: (PMID: 32160374, 31600233, 19931660, 28881669, 9781036, 15824850, 18724009)

Illumina Laboratory Services, Illumina
Classification: Benign for Hypophosphatasia. Last evaluated: 2018-03-06. Review status: criteria provided, single submitter. Criteria: ICSL Variant Classification Criteria 13 December 2019. Collection method: clinical testing. Allele origin: germline.
Comment: This variant was observed in the ICSL laboratory as part of a predisposition screen in an ostensibly healthy population. It had not been previously curated by ICSL or reported in the Human Gene Mutation Database (HGMD: prior to June 1st, 2018), and was therefore a candidate for classification through an automated scoring system. Utilizing variant allele frequency, disease prevalence and penetrance estimates, and inheritance mode, an automated score was calculated to assess if this variant is too frequent to cause the disease. Based on the score and internal cut-off values, a variant classified as benign is not then subjected to further curation. The score for this variant resulted in a classification of benign for this disease.

Eurofins Ntd Llc (ga)
Classification: Benign. Last evaluated: 2014-10-14. Review status: criteria provided, single submitter. Criteria: EGL Classification Definitions 2015. Collection method: clinical testing. Allele origin: germline. Observed: 2 variant alleles, 2 heterozygotes.

Breakthrough Genomics
Classification: Benign. Review status: criteria provided, single submitter. Criteria: ACMG Guidelines, 2015. Collection method: not provided. Allele origin: germline. Inheritance: Autosomal recessive inheritance. Affected: yes.

PreventionGenetics, part of Exact Sciences
Classification: Benign. Review status: criteria provided, single submitter. Criteria: ACMG Guidelines, 2015. Collection method: clinical testing. Allele origin: germline.

Natera, Inc.
Classification: Benign for Hypophosphatasia. Last evaluated: 2020-09-16. Review status: no assertion criteria provided. Collection method: clinical testing. Allele origin: germline. Not counted in ClinVar's aggregate classification.

Clinical Genetics DNA and cytogenetics Diagnostics Lab, Erasmus MC, Erasmus Medical Center
Classification: Benign. Review status: no assertion criteria provided. Collection method: clinical testing. Allele origin: germline. Affected: yes. Study: VKGL Data-share Consensus. Not counted in ClinVar's aggregate classification.

Diagnostic Laboratory, Department of Genetics, University Medical Center Groningen
Classification: Benign. Review status: no assertion criteria provided. Collection method: clinical testing. Allele origin: germline. Affected: yes. Study: VKGL Data-share Consensus. Not counted in ClinVar's aggregate classification.

GeneReviews
No classification provided. Condition: Hypophosphatasia. Review status: no classification provided. Collection method: literature only. Allele origin: germline. Affected: yes. Not counted in ClinVar's aggregate classification.

Genome Diagnostics Laboratory, Amsterdam University Medical Center
Classification: Benign. Review status: no assertion criteria provided. Collection method: clinical testing. Allele origin: germline. Affected: yes. Study: VKGL Data-share Consensus. Not counted in ClinVar's aggregate classification.

Literature cited by the submitters: PubMed 34213743 (cited by JKU Lab, Dept of Paediatrics, Johannes Kepler University); PubMed 28881669 (cited by JKU Lab, Dept of Paediatrics, Johannes Kepler University); PubMed 32779619 (cited by JKU Lab, Dept of Paediatrics, Johannes Kepler University); PubMed 33852075 (cited by JKU Lab, Dept of Paediatrics, Johannes Kepler University); PubMed 30680361 (cited by JKU Lab, Dept of Paediatrics, Johannes Kepler University); PubMed 31600233 (cited by JKU Lab, Dept of Paediatrics, Johannes Kepler University); NCBI Bookshelf NBK1150 (cited by GeneReviews).

NM_000478.6(ALPL):c.787T>C (p.Tyr263His)

Gene: ALPL (alkaline phosphatase, biomineralization associated; plus strand). Cytogenetic location: 1p36.12.
Variant type: single nucleotide variant.
Coding change: c.787T>C on transcript NM_000478.6 (MANE Select); coding-DNA position 787, T replaced by C.
Protein change: p.Tyr263His; replaces tyrosine 263 with histidine.
Molecular consequence: missense variant.
Genome position (GRCh38, 1-based): chr1:21,568,242, T>C. VCF-style: chr1-21568242-T-C. GRCh37 (hg19) VCF-style: chr1-21894735-T-C.
Other names: c.622T>C, p.Tyr208His (NM_001127501.4); c.556T>C, p.Tyr186His (NM_001177520.3); c.787T>C, p.Tyr263His (NM_001369803.2, NM_001369804.2, NM_001369805.2); c.787T>C (NM_000478.5); short protein forms Y263H, Y186H, Y208H.
Identifiers: ClinVar variation 198423 (VCV000198423.49), dbSNP rs3200254, ClinGen allele CA203411.
Genomic context (GRCh38, chr1:21,568,242, plus strand): 5'-AGGGGCACGAGGCTGGACGGCCTGGACCTCGTTGACACCTGGAAGAGCTTCAAACCGAGA[T>C]ACAAGGTAGCCTGTGCTGGGGCCATGTGGCTGCAGAGGTGGCCTGTGATGGGGAGAGGCT-3'
Protein context (NP_000469.3, residues 253-273): VDTWKSFKPR[Tyr263His]KHSHFIWNRT